The following is an entry in ClinVar:

ClinVar aggregate classification (germline): Uncertain significance (1 of 4 stars; one submission).

Conditions:
Pelger-Huët anomaly (PHA). Also called: Pelger-Huet Anomaly. Identifiers: MedGen C0030779, MONDO:0008214, OMIM 169400.
Regressive spondylometaphyseal dysplasia. Also called: PELGER-HUET ANOMALY WITH MILD SKELETAL ANOMALIES. Identifiers: Orphanet 448267, MedGen C4747922, MONDO:0018663, OMIM 618019.
Greenberg dysplasia (GRBGD). Also called: HEM SKELETAL DYSPLASIA; MOTH-EATEN SKELETAL DYSPLASIA; CHONDRODYSTROPHY, HYDROPIC AND PRENATALLY LETHAL TYPE. Identifiers: Orphanet 1426, MedGen C2931048, MONDO:0008974, OMIM 215140.

Submission:

Labcorp Genetics (formerly Invitae), Labcorp
Classification: Uncertain significance. Last evaluated: 2026-01-27. Review status: criteria provided, single submitter. Criteria: Invitae Variant Classification Sherloc (09022015). Collection method: clinical testing. Allele origin: germline.
Comment: This sequence change replaces glycine, which is neutral and non-polar, with serine, which is neutral and polar, at codon 88 of the LBR protein (p.Gly88Ser). Information on the frequency of this variant in the gnomAD database is not available, as this variant may be reported differently in the database. This variant has not been reported in the literature in individuals affected with LBR-related conditions. ClinVar contains an entry for this variant (Variation ID: 1433684). Experimental studies and prediction algorithms are not available or were not evaluated, and the functional significance of this variant is currently unknown. In summary, the available evidence is currently insufficient to determine the role of this variant in disease. Therefore, it has been classified as a Variant of Uncertain Significance.

NM_002296.4(LBR):c.261_262inv (p.Gly88Ser)

Gene: LBR (lamin B receptor; minus strand). Cytogenetic location: 1q42.12.
Variant type: Inversion.
Coding change: c.261_262inv on transcript NM_002296.4 (MANE Select).
Protein change: p.Gly88Ser; replaces glycine 88 with serine.
Molecular consequence: missense variant.
Genome position: GRCh38 VCF-style: chr1-225422181-CA-TG. GRCh37 (hg19) VCF-style: chr1-225609883-CA-TG.
Other names: c.261_262inv, p.Gly88Ser (NM_194442.3); c.261_262delinsCA (NM_002296.3); short protein forms G88S.
Identifiers: ClinVar variation 1433684 (VCV001433684.6), ClinGen allele CA2573132777.